The following is an entry in ClinVar:

NM_001032382.2(PQBP1):c.393_413dup (p.Arg140_Asp141insGlyHisAspLysSerAspArg)

Gene: PQBP1 (polyglutamine binding protein 1; plus strand). Cytogenetic location: Xp11.23.
Variant type: Duplication.
Coding change: c.393_413dup on transcript NM_001032382.2 (MANE Select); coding-DNA positions 393 to 413, 21 bases duplicated (AGACCGGGGCCACGACAAGTC).
Protein change: p.Arg140_Asp141insGlyHisAspLysSerAspArg.
Molecular consequence: inframe insertion. On other transcripts: intron variant (2).
Genome position (GRCh38, 1-based): chrX:48,902,333-48,902,353, AGACCGGGGCCACGACAAGTC duplicated; duplicating any 21 consecutive bases within chrX:48,902,317-48,902,353 gives the same sequence; the c. name uses the placement nearest the transcript's 3' end. VCF-style (leftmost placement, unchanged base first): chrX-48902316-A-AGGGGCCACGACAAGTCAGACC. GRCh37 (hg19) VCF-style: chrX-48759593-A-AGGGGCCACGACAAGTCAGACC.
Other names: c.393_413dup, p.Arg140_Asp141insGlyHisAspLysSerAspArg (NM_001032381.2, NM_001032383.2, NM_001032384.1 and 2 more transcripts); c.369_389dup, p.Arg132_Asp133insGlyHisAspLysSerAspArg (NM_001167990.2); c.292+291_292+311dup (NM_144495.3); c.202-109_202-89dup (NM_001167992.1).
Identifiers: ClinVar variation 2741925 (VCV002741925.3), dbSNP rs782547972, ClinGen allele CA2693662282.
Genomic context (GRCh38, chrX:48,902,316, plus strand): 5'-AGCCATGACAAGTCGGACAGGGGCCATGACAAGTCGGACCGCAGCCATGAGAAACTAGAC[A>AGGGGCCACGACAAGTCAGACC]GGGGCCACGACAAGTCAGACCGGGGCCACGACAAGTCTGACAGGGATCGAGAGCGTGGCT-3'

ClinVar aggregate classification (germline): Uncertain significance (1 of 4 stars; one submission).

Submission:

Labcorp Genetics (formerly Invitae), Labcorp
Classification: Uncertain significance. Last evaluated: 2024-10-23. Review status: criteria provided, single submitter. Criteria: Invitae Variant Classification Sherloc (09022015). Collection method: clinical testing. Allele origin: germline.
Comment: This variant, c.393_413dup, results in the insertion of 7 amino acid(s) of the PQBP1 protein (p.Gly134_Arg140dup), but otherwise preserves the integrity of the reading frame. This variant is not present in population databases (gnomAD no frequency). This variant has not been reported in the literature in individuals affected with PQBP1-related conditions. In summary, the available evidence is currently insufficient to determine the role of this variant in disease. Therefore, it has been classified as a Variant of Uncertain Significance.